The following is an entry in ClinVar:

ClinVar aggregate classification (germline): Uncertain significance (1 of 4 stars; one submission).

Conditions:
Leigh syndrome (NULS). Also called: Leigh's necrotizing encephalopathy; Leigh's disease; Leigh Syndrome (mtDNA deletion); Leigh Disease; Subacute necrotizing encephalopathy; Necrotizing encephalopathy infantile subacute of Leigh. Identifiers: Orphanet 506, MedGen C2931891, MONDO:0009723, OMIM 256000.

Submission:

Wong Mito Lab, Molecular and Human Genetics, Baylor College of Medicine
Classification: Uncertain significance for Leigh syndrome. Last evaluated: 2019-10-17. Review status: criteria provided, single submitter. Criteria: Modified ACMG Guidelines (Unpublished). Collection method: clinical testing. Allele origin: germline.
Comment: The NC_012920.1:m.12509A>G (YP_003024036.1:p.Asp58Gly) variant in MTND5 gene is interpretated to be a Uncertain Significance variant based on the modified ACMG guidelines (unpublished). This variant meets the following evidence codes: PP6, BP4

NC_012920.1(MT-ND5):m.12509A>G

Gene: MT-ND5 (mitochondrially encoded NADH dehydrogenase 5; plus strand).
Variant type: single nucleotide variant.
Genome position: chrM-12509-A-G.
Identifiers: ClinVar variation 693455 (VCV000693455.1), dbSNP rs1603223773, ClinGen allele CA414813497.